The following is an entry in ClinVar:

NM_004168.4(SDHA):c.1065-7T>C

Gene: SDHA (succinate dehydrogenase complex flavoprotein subunit A; plus strand). Cytogenetic location: 5p15.33.
Variant type: single nucleotide variant.
Coding change: c.1065-7T>C on transcript NM_004168.4 (MANE Select); 7 bases into the intron before coding-DNA position 1065, T replaced by C.
Molecular consequence: intron variant.
Genome position (GRCh38, 1-based): chr5:235,137, T>C. VCF-style: chr5-235137-T-C. GRCh37 (hg19) VCF-style: chr5-235252-T-C.
Other names: c.1065-7T>C (NM_001330758.2); c.921-7T>C (NM_001294332.2).
Identifiers: ClinVar variation 1580993 (VCV001580993.9), dbSNP rs1426933226, ClinGen allele CA557397531.

ClinVar aggregate classification (germline): Likely benign. Review status: criteria provided, multiple submitters, no conflicts (2 of 4 stars). 2 submissions from 2 submitters: Likely benign (2). Last evaluated 2025-10-11.

Conditions:
Pheochromocytoma/paraganglioma syndrome 5. Also called: Paragangliomas 5; SDHA-Related Hereditary Paraganglioma-Pheochromocytoma Syndrome. Identifiers: Orphanet 29072, MedGen C3279992, MONDO:0013602, OMIM 614165.
Mitochondrial complex II deficiency, nuclear type 1. Also called: SUCCINATE CoQ REDUCTASE DEFICIENCY. Identifiers: Orphanet 3208, MedGen C5700310, MONDO:0100294, OMIM 252011.

Allele frequency attached by ClinVar (database versions not stated): gnomAD 0.00001.
gnomAD v4.1: 2 of 1,613,750 alleles (0.00012%); highest among the groups gnomAD compares: African/African-American, 0.0027%; no homozygotes.

Submissions (2):

Labcorp Genetics (formerly Invitae), Labcorp
Classification: Likely benign for Pheochromocytoma/paraganglioma syndrome 5; Mitochondrial complex II deficiency, nuclear type 1. Last evaluated: 2025-10-11. Review status: criteria provided, single submitter. Criteria: Invitae Variant Classification Sherloc (09022015). Collection method: clinical testing. Allele origin: germline.

Myriad Genetics, Inc.
Classification: Likely benign for Pheochromocytoma/paraganglioma syndrome 5. Last evaluated: 2025-03-07. Review status: criteria provided, single submitter. Criteria: Myriad Autosomal Dominant, Autosomal Recessive and X-Linked Classification Criteria (2023). Collection method: clinical testing. Allele origin: unknown.
Comment: This variant is considered likely benign. This variant is intronic and is not expected to impact mRNA splicing.